The following is an entry in ClinVar:

NM_001267550.2(TTN):c.23851_23852delinsTA (p.Ala7951Tyr)

Gene: TTN (titin; minus strand). Cytogenetic location: 2q31.2.
Variant type: Indel.
Coding change: c.23851_23852delinsTA on transcript NM_001267550.2 (MANE Select); coding-DNA positions 23851 to 23852, GC replaced by TA.
Protein change: p.Ala7951Tyr; replaces alanine 7951 with tyrosine.
Molecular consequence: missense variant. On other transcripts: intron variant (3).
Genome position (GRCh38, 1-based): chr2:178,719,640-178,719,641, GC replaced by TA on the plus strand (GC replaced by TA on the coding strand, the reverse complement: TTN is on the minus strand). VCF-style: chr2-178719640-GC-TA. GRCh37 (hg19) VCF-style: chr2-179584367-GC-TA.
Other names: c.22900_22901delinsTA, p.Ala7634Tyr (NM_001256850.1); c.20119_20120delinsTA, p.Ala6707Tyr (NM_133378.4); c.13282+18441_13282+18442delinsTA (NM_003319.4); c.13858+18441_13858+18442delinsTA (NM_133437.4); c.13657+18441_13657+18442delinsTA (NM_133432.3); short protein forms A7634Y, A6707Y, A7951Y.
Identifiers: ClinVar variation 4997081 (VCV004997081.1).
Genomic context (GRCh38, chr2:178,719,640, plus strand): 5'-TTACTTTTGCCAACACTGTTTTTCACTTCAAAGCTATATAATCCTTTGTCACTCATTTCG[GC>TA]ACAGGGGATTTTAAGGGAAGCCACTTTATTGATGAATGTAATGTGATGTTTGCTGTCTGC-3'
Protein context (NP_001254479.2, residues 7941-7961): NKVASLKIPC[Ala7951Tyr]EMSDKGLYSF

ClinVar aggregate classification (germline): Uncertain significance (1 of 4 stars; one submission).

Conditions:
TTN-related disorder. Also called: TTN-related disorders; TTN-related condition; TTN-related disease.

Submission:

PreventionGenetics, part of Exact Sciences
Classification: Uncertain significance for TTN-related condition. Last evaluated: 2025-07-30. Review status: criteria provided, single submitter. Criteria: ACMG Guidelines, 2015. Collection method: clinical testing. Allele origin: germline.
Comment: The TTN c.23851_23852delinsTA variant is predicted to result in an in-frame deletion and insertion. To our knowledge, this variant has not been reported in the literature or in a large population database (gnomAD), indicating this variant is rare. At this time, the clinical significance of this variant is uncertain due to the absence of conclusive functional and genetic evidence.